The following is an entry in ClinVar:

ClinVar aggregate classification (germline): Uncertain significance (1 of 4 stars; one submission).

Conditions:
Pheochromocytoma. Also called: MAX-Related Hereditary Paraganglioma-Pheochromocytoma Syndrome. Identifiers: Orphanet 29072, MedGen C0031511, MONDO:0008233, OMIM 171300, HP:0002666.
Gastrointestinal stromal tumor. Also called: Gastrointestinal stromal tumor, somatic; Gastrointestinal stroma tumor. Identifiers: Orphanet 44890, MedGen C0238198, MeSH D046152, MONDO:0011719, OMIM 606764, HP:0100723.
Pheochromocytoma/paraganglioma syndrome 4. Also called: SDHB-Related Hereditary Paraganglioma-Pheochromocytoma Syndrome (Paragangliomas 4); SDHB-Related Hereditary Paraganglioma-Pheochromocytoma Syndrome; CAROTID BODY TUMORS AND MULTIPLE EXTRAADRENAL PHEOCHROMOCYTOMAS; PARAGANGLIOMA, FAMILIAL MALIGNANT; PARAGANGLIOMAS, HEREDITARY EXTRAADRENAL; PHEOCHROMOCYTOMA, FAMILIAL EXTRAADRENAL. Identifiers: Orphanet 29072, MedGen C1861848, MONDO:0007273, OMIM 115310.

Submission:

Labcorp Genetics (formerly Invitae), Labcorp
Classification: Uncertain significance for Gastrointestinal stromal tumor; Pheochromocytoma/paraganglioma syndrome 4; Pheochromocytoma. Last evaluated: 2024-05-09. Review status: criteria provided, single submitter. Criteria: Invitae Variant Classification Sherloc (09022015). Collection method: clinical testing. Allele origin: germline.
Comment: This sequence change replaces glycine, which is neutral and non-polar, with arginine, which is basic and polar, at codon 20 of the SDHB protein (p.Gly20Arg). This variant is not present in population databases (gnomAD no frequency). This variant has not been reported in the literature in individuals affected with SDHB-related conditions. ClinVar contains an entry for this variant (Variation ID: 1950479). Advanced modeling of protein sequence and biophysical properties (such as structural, functional, and spatial information, amino acid conservation, physicochemical variation, residue mobility, and thermodynamic stability) performed at Invitae indicates that this missense variant is not expected to disrupt SDHB protein function with a negative predictive value of 95%. In summary, the available evidence is currently insufficient to determine the role of this variant in disease. Therefore, it has been classified as a Variant of Uncertain Significance.

NM_003000.3(SDHB):c.58G>A (p.Gly20Arg)

Genes: SDHB (succinate dehydrogenase complex iron sulfur subunit B; minus strand), LOC129929542 (ATAC-STARR-seq lymphoblastoid active region 277; plus strand). Cytogenetic location: 1p36.13.
Variant type: single nucleotide variant.
Coding change: c.58G>A on transcript NM_003000.3 (MANE Select); coding-DNA position 58, G replaced by A.
Protein change: p.Gly20Arg; replaces glycine 20 with arginine.
Molecular consequence: missense variant.
Genome position (GRCh38, 1-based): chr1:17,053,962, C>T on the plus strand (G>A on the coding strand, the complement: SDHB is on the minus strand). VCF-style: chr1-17053962-C-T. GRCh37 (hg19) VCF-style: chr1-17380457-C-T.
Other names: c.58G>A, p.Gly20Arg (NM_001407361.1); short protein forms G20R.
Identifiers: ClinVar variation 1950479 (VCV001950479.5), dbSNP rs1557749649, ClinGen allele CA338230659.
Genomic context (GRCh38, chr1:17,053,962, plus strand): 5'-TCTGTGGCTTTCCTGACTTTTCCCTCTCTGAGGCTCCAGGACTCACCTGCAGGCAGGCTC[C>T]GCCAAGGGTTGTGGCCGGCAACCGGCGCCTCAAGGAGAGGGCGACCACCGCCGCCATCTT-3'
Protein context (NP_002991.2, residues 10-30): RRRLPATTLG[Gly20Arg]ACLQASRGAQ